The following is an entry in ClinVar:

ClinVar aggregate classification (germline): Uncertain significance (1 of 4 stars; one submission).

Conditions:
Gastrointestinal stromal tumor. Also called: Gastrointestinal stromal tumor, somatic; Gastrointestinal stroma tumor. Identifiers: Orphanet 44890, MedGen C0238198, MeSH D046152, MONDO:0011719, OMIM 606764, HP:0100723.

gnomAD v4.1: 1 of 1,614,094 alleles (0.000062%); highest among the groups gnomAD compares: Non-Finnish European, 0.000085%; no homozygotes.

Submission:

Labcorp Genetics (formerly Invitae), Labcorp
Classification: Uncertain significance for Gastrointestinal stromal tumor. Last evaluated: 2025-07-15. Review status: criteria provided, single submitter. Criteria: Invitae Variant Classification Sherloc (09022015). Collection method: clinical testing. Allele origin: germline.
Comment: This sequence change replaces asparagine, which is neutral and polar, with lysine, which is basic and polar, at codon 945 of the KIT protein (p.Asn945Lys). This variant is not present in population databases (gnomAD no frequency). This variant has not been reported in the literature in individuals affected with KIT-related conditions. An algorithm developed to predict the effect of missense changes on protein structure and function outputs the following: PolyPhen-2: "Benign". The lysine amino acid residue is found in multiple mammalian species, which suggests that this missense change does not adversely affect protein function. In summary, the available evidence is currently insufficient to determine the role of this variant in disease. Therefore, it has been classified as a Variant of Uncertain Significance.

NM_000222.3(KIT):c.2835C>A (p.Asn945Lys)

Gene: KIT (KIT proto-oncogene, receptor tyrosine kinase; plus strand). Cytogenetic location: 4q12.
Variant type: single nucleotide variant.
Coding change: c.2835C>A on transcript NM_000222.3 (MANE Select); coding-DNA position 2835, C replaced by A.
Protein change: p.Asn945Lys; replaces asparagine 945 with lysine.
Molecular consequence: missense variant.
Genome position (GRCh38, 1-based): chr4:54,738,461, C>A. VCF-style: chr4-54738461-C-A. GRCh37 (hg19) VCF-style: chr4-55604627-C-A.
Other names: c.2823C>A, p.Asn941Lys (NM_001093772.2, NM_001385292.1); c.2838C>A, p.Asn946Lys (NM_001385284.1); c.2832C>A, p.Asn944Lys (NM_001385285.1); c.2820C>A, p.Asn940Lys (NM_001385286.1); c.2826C>A, p.Asn942Lys (NM_001385288.1); c.2835C>A, p.Asn945Lys (NM_001385290.1); short protein forms N942K, N940K, N946K, N941K, N944K, N945K.
Identifiers: ClinVar variation 4723258 (VCV004723258.1).